The following is an entry in ClinVar:

NM_001379200.1(TBX1):c.764T>C (p.Val255Ala)

Gene: TBX1 (T-box transcription factor 1; plus strand). Cytogenetic location: 22q11.21.
Variant type: single nucleotide variant.
Coding change: c.764T>C on transcript NM_001379200.1 (MANE Select); coding-DNA position 764, T replaced by C.
Protein change: p.Val255Ala; replaces valine 255 with alanine.
Molecular consequence: missense variant.
Genome position (GRCh38, 1-based): chr22:19,765,010, T>C. VCF-style: chr22-19765010-T-C. GRCh37 (hg19) VCF-style: chr22-19752533-T-C.
Other names: c.737T>C, p.Val246Ala (NM_005992.1, NM_080646.2, NM_080647.1); short protein forms V255A, V246A.
Identifiers: ClinVar variation 3656323 (VCV003656323.2).

ClinVar aggregate classification (germline): Uncertain significance (1 of 4 stars; one submission).

Conditions:
DiGeorge syndrome. Also called: THIRD AND FOURTH PHARYNGEAL POUCH SYNDROME; Catch22. Identifiers: Orphanet 567, MedGen C0012236, MONDO:0008564, OMIM 188400.

Submission:

Labcorp Genetics (formerly Invitae), Labcorp
Classification: Uncertain significance for DiGeorge syndrome. Last evaluated: 2024-07-17. Review status: criteria provided, single submitter. Criteria: Invitae Variant Classification Sherloc (09022015). Collection method: clinical testing. Allele origin: germline.
Comment: This sequence change replaces valine, which is neutral and non-polar, with alanine, which is neutral and non-polar, at codon 246 of the TBX1 protein (p.Val246Ala). This variant is not present in population databases (gnomAD no frequency). This variant has not been reported in the literature in individuals affected with TBX1-related conditions. Advanced modeling of protein sequence and biophysical properties (such as structural, functional, and spatial information, amino acid conservation, physicochemical variation, residue mobility, and thermodynamic stability) performed at Invitae indicates that this missense variant is not expected to disrupt TBX1 protein function with a negative predictive value of 80%. In summary, the available evidence is currently insufficient to determine the role of this variant in disease. Therefore, it has been classified as a Variant of Uncertain Significance.